The following is an entry in ClinVar:

NM_001366207.1(DLG1):c.2007G>C (p.Gln669His)

Gene: DLG1 (discs large MAGUK scaffold protein 1; minus strand). Cytogenetic location: 3q29.
Variant type: single nucleotide variant.
Coding change: c.2007G>C on transcript NM_001366207.1 (MANE Select); coding-DNA position 2007, G replaced by C.
Protein change: p.Gln669His; replaces glutamine 669 with histidine.
Molecular consequence: missense variant. On other transcripts: non-coding transcript variant (4).
Genome position (GRCh38, 1-based): chr3:197,069,259, C>G on the plus strand (G>C on the coding strand, the complement: DLG1 is on the minus strand). VCF-style: chr3-197069259-C-G. GRCh37 (hg19) VCF-style: chr3-196796130-C-G.
Other names: c.2040G>C, p.Lys680Asn (NM_001098424.1, NM_001290983.2, NM_001366218.1); c.2004G>C, p.Gln668His (NM_001204386.1, NM_001366205.1, NM_001366213.1); c.1692G>C, p.Lys564Asn (NM_001204387.2, NM_001204388.2); c.2007G>C, p.Gln669His (NM_001363865.1, NM_001366210.1, NM_001366215.1); c.1887G>C, p.Lys629Asn (NM_001366203.1, NM_001366216.1, NM_001366219.1); c.1941G>C, p.Lys647Asn (NM_001366204.1, NM_001366208.1, NM_001366209.1 and 3 more transcripts); c.1953G>C, p.Gln651His (NM_001366206.1); c.2103G>C, p.Gln701His (NM_001366214.1); and 3 more; short protein forms K564N, K597N, K629N, K647N, K680N, Q650H, Q651H, Q668H.
Identifiers: ClinVar variation 2630168 (VCV002630168.1), dbSNP rs759793588, ClinGen allele CA2785280.

ClinVar aggregate classification (germline): Uncertain significance (1 of 4 stars; one submission).

Conditions:
DLG1-related disorder. Also called: DLG1-related condition.

Allele frequency attached by ClinVar (database versions not stated): ExAC 0.00001.
gnomAD v4.1: 5 of 1,583,928 alleles (0.00032%); highest among the groups gnomAD compares: Non-Finnish European, 0.00043%; no homozygotes.

Submission:

PreventionGenetics, part of Exact Sciences
Classification: Uncertain significance for DLG1-related condition. Last evaluated: 2023-01-31. Review status: criteria provided, single submitter. Criteria: ACMG Guidelines, 2015. Collection method: clinical testing. Allele origin: germline.
Comment: The DLG1 c.2040G>C variant is predicted to result in the amino acid substitution p.Lys680Asn. To our knowledge, this variant has not been reported in the literature. This variant is reported in 0.00095% of alleles in individuals of European (Non-Finnish) descent in gnomAD. At this time, the clinical significance of this variant is uncertain due to the absence of conclusive functional and genetic evidence.